The following is an entry in ClinVar:

ClinVar aggregate classification (germline): Uncertain significance. Review status: criteria provided, multiple submitters, no conflicts (2 of 4 stars). 2 submissions from 2 submitters: Uncertain significance (2). Last evaluated 2024-03-06.

Conditions:
Cardiomyopathy (CMYO). Also called: Cardiomyopathies. Identifiers: Orphanet 167848, MedGen C0878544, MONDO:0004994, HP:0001638. Inheritance: Various modes of inheritance.
Arrhythmogenic cardiomyopathy with wooly hair and keratoderma. Also called: Dilated cardiomyopathy with woolly hair and keratoderma; PALMOPLANTAR KERATODERMA WITH LEFT VENTRICULAR CARDIOMYOPATHY AND WOOLLY HAIR; Carvajal syndrome; Arrhythmogenic cardiomyopathy with woolly hair and keratoderma. Identifiers: Orphanet 65282, MedGen C1854063, MONDO:0011581, OMIM 605676.

Allele frequency attached by ClinVar (database versions not stated): gnomAD exomes below 0.00001 and 0.00001; TOPMed below 0.00001; ExAC 0.00001; gnomAD 0.00001.

Submissions (2):

Color Diagnostics, LLC DBA Color Health
Classification: Uncertain significance for Cardiomyopathy. Last evaluated: 2024-03-06. Review status: criteria provided, single submitter. Criteria: ACMG Guidelines, 2015. Collection method: clinical testing. Allele origin: germline.
Comment: This missense variant replaces threonine with asparagine at codon 2412 of the DSP protein. Computational prediction suggests that this variant may not impact protein structure and function (internally defined REVEL score threshold <= 0.5, PMID: 27666373). To our knowledge, functional studies have not been reported for this variant. This variant has not been reported in individuals affected with cardiovascular disorders in the literature. This variant has been identified in 2/251390 chromosomes in the general population by the Genome Aggregation Database (gnomAD). The available evidence is insufficient to determine the role of this variant in disease conclusively. Therefore, this variant is classified as a Variant of Uncertain Significance.

All of Us Research Program, National Institutes of Health
Classification: Uncertain significance for Arrhythmogenic cardiomyopathy with wooly hair and keratoderma. Last evaluated: 2023-12-18. Review status: criteria provided, single submitter. Criteria: ACMG Guidelines, 2015. Collection method: clinical testing. Allele origin: germline. Inheritance: Autosomal dominant inheritance. Observed: 1 variant allele, 1 heterozygote.
Comment: This missense variant replaces threonine with asparagine at codon 2412 of the DSP protein. Computational prediction suggests that this variant may not impact protein structure and function (internally defined REVEL score threshold <= 0.5, PMID: 27666373). To our knowledge, functional studies have not been reported for this variant. This variant has not been reported in individuals affected with cardiovascular disorders in the literature. This variant has been identified in 2/251390 chromosomes in the general population by the Genome Aggregation Database (gnomAD). The available evidence is insufficient to determine the role of this variant in disease conclusively. Therefore, this variant is classified as a Variant of Uncertain Significance.

This study involves interpretation of variants in research participants for the purpose of population health screening. Participant phenotype was not available at the time of variant classification. Additional details can be found in publication PMID: 35346344, PMCID: PMC8962531

NM_004415.4(DSP):c.7235C>A (p.Thr2412Asn)

Gene: DSP (desmoplakin; plus strand). Cytogenetic location: 6p24.3.
Variant type: single nucleotide variant.
Coding change: c.7235C>A on transcript NM_004415.4 (MANE Select); coding-DNA position 7235, C replaced by A.
Protein change: p.Thr2412Asn; replaces threonine 2412 with asparagine.
Molecular consequence: missense variant.
Genome position (GRCh38, 1-based): chr6:7,584,497, C>A. VCF-style: chr6-7584497-C-A. GRCh37 (hg19) VCF-style: chr6-7584730-C-A.
Other names: c.5438C>A, p.Thr1813Asn (NM_001008844.3); c.5906C>A, p.Thr1969Asn (NM_001319034.2); short protein forms T1813N, T1969N, T2412N.
Identifiers: ClinVar variation 1171043 (VCV001171043.5), dbSNP rs775399575, ClinGen allele CA049338.